The following is an entry in ClinVar:

ClinVar aggregate classification (germline): Uncertain significance (1 of 4 stars; one submission).

Submission:

Women's Health and Genetics/Laboratory Corporation of America, LabCorp
Classification: Uncertain significance. Last evaluated: 2026-02-02. Review status: criteria provided, single submitter. Criteria: LabCorp Variant Classification Summary - May 2015. Collection method: clinical testing. Allele origin: germline.
Comment: Variant summary: LPL c.433_435delGAG (p.Glu145del) results in an in-frame deletion that is predicted to remove one amino acid from the encoded protein. The variant was absent in 251366 control chromosomes (gnomAD). The available data on variant occurrences in the general population are insufficient to allow any conclusion about variant significance. To our knowledge, no occurrence of c.433_435delGAG in individuals affected with LPL-related conditions and no experimental evidence demonstrating its impact on protein function have been reported. No submitters have cited clinical-significance assessments for this variant to ClinVar. Based on the evidence outlined above, the variant was classified as uncertain significance.

NM_000237.3(LPL):c.433_435delGAG

Gene: LPL (lipoprotein lipase; plus strand). Cytogenetic location: 8p21.3.
Variant type: Microsatellite.
Coding change: c.433_435delGAG on transcript NM_000237.3 (MANE Select); coding-DNA positions 433 to 435, 3 bases deleted (GAG).
Molecular consequence: splice acceptor variant.
Genome position (GRCh38, 1-based): chr8:19,953,313-19,953,315, GAG deleted; deleting any 3 consecutive bases within chr8:19,953,308-19,953,315 gives the same sequence; the c. name uses the placement nearest the transcript's 3' end. VCF-style (leftmost placement, unchanged base first): chr8-19953307-AAGG-A. GRCh37 (hg19) VCF-style: chr8-19810818-AAGG-A.
Identifiers: ClinVar variation 4848132 (VCV004848132.1).